The following is an entry in ClinVar:

NM_003119.4(SPG7):c.584A>G (p.Tyr195Cys)

Gene: SPG7 (SPG7 matrix AAA peptidase subunit, paraplegin; plus strand). Cytogenetic location: 16q24.3.
Variant type: single nucleotide variant.
Coding change: c.584A>G on transcript NM_003119.4 (MANE Select); coding-DNA position 584, A replaced by G.
Protein change: p.Tyr195Cys; replaces tyrosine 195 with cysteine.
Molecular consequence: missense variant.
Genome position (GRCh38, 1-based): chr16:89,524,213, A>G. VCF-style: chr16-89524213-A-G. GRCh37 (hg19) VCF-style: chr16-89590621-A-G.
Other names: p.Y195C:TAC>TGC; c.584A>G, p.Tyr195Cys (NM_001363850.1, NM_199367.3); short protein forms Y195C.
Identifiers: ClinVar variation 215205 (VCV000215205.21), dbSNP rs145776296, ClinGen allele CA324599.

ClinVar aggregate classification (germline): Uncertain significance. Review status: criteria provided, multiple submitters, no conflicts (2 of 4 stars). 5 submissions from 5 submitters: Uncertain significance (5). Last evaluated 2026-01-26.

Conditions:
Hereditary spastic paraplegia 7 (SPG7). Also called: SPG7-related neurologic disorder; Spastic paraplegia 7; Hereditary spastic paraplegia Paraplegin type; Autosomal recessive spastic paraplegia type 7; SPASTIC PARAPLEGIA 7, AUTOSOMAL RECESSIVE, WITH OR WITHOUT CEREBELLAR ATAXIA. Identifiers: Orphanet 99013, MedGen C1846564, MONDO:0011803, OMIM 607259.

Allele frequency attached by ClinVar (database versions not stated): ExAC 0.00004; gnomAD exomes 0.00005 and 0.00012; TOPMed 0.00007; gnomAD 0.00009; ESP Exome Variant Server 0.00023.
gnomAD v4.1: 184 of 1,612,808 alleles (0.011%); highest among the groups gnomAD compares: Non-Finnish European, 0.015%; no homozygotes.

Submissions (5):

Labcorp Genetics (formerly Invitae), Labcorp
Classification: Uncertain significance for Hereditary spastic paraplegia 7. Last evaluated: 2026-01-26. Review status: criteria provided, single submitter. Criteria: Invitae Variant Classification Sherloc (09022015). Collection method: clinical testing. Allele origin: germline.
Comment: This sequence change replaces tyrosine, which is neutral and polar, with cysteine, which is neutral and slightly polar, at codon 195 of the SPG7 protein (p.Tyr195Cys). This variant is present in population databases (rs145776296, gnomAD 0.01%). This variant has not been reported in the literature in individuals affected with SPG7-related conditions. ClinVar contains an entry for this variant (Variation ID: 215205). Invitae Evidence Modeling of protein sequence and biophysical properties (such as structural, functional, and spatial information, amino acid conservation, physicochemical variation, residue mobility, and thermodynamic stability) indicates that this missense variant is not expected to disrupt SPG7 protein function with a negative predictive value of 80%. In summary, the available evidence is currently insufficient to determine the role of this variant in disease. Therefore, it has been classified as a Variant of Uncertain Significance.

CeGaT Center for Human Genetics Tuebingen
Classification: Uncertain significance. Last evaluated: 2025-04-01. Review status: criteria provided, single submitter. Criteria: CeGaT Center For Human Genetics Tuebingen Variant Classification Criteria Version 2. Collection method: clinical testing. Allele origin: germline. Affected: yes. Observed: 1 variant allele.
Comment: SPG7: PM2, PP3

Women's Health and Genetics/Laboratory Corporation of America, LabCorp
Classification: Uncertain significance. Last evaluated: 2023-08-21. Review status: criteria provided, single submitter. Criteria: LabCorp Variant Classification Summary - May 2015. Collection method: clinical testing. Allele origin: germline.
Comment: Variant summary: SPG7 c.584A>G (p.Tyr195Cys) results in a non-conservative amino acid change in the encoded protein sequence. Three of five in-silico tools predict a damaging effect of the variant on protein function. The variant allele was found at a frequency of 4.8e-05 in 251076 control chromosomes (gnomAD). To our knowledge, no occurrence of c.584A>G in individuals affected with Hereditary Spastic Paraplegia 7 and no experimental evidence demonstrating its impact on protein function have been reported. Three submitters have cited clinical-significance assessments for this variant to ClinVar after 2014. All submitters classified the variant as uncertain significance. Based on the evidence outlined above, the variant was classified as uncertain significance.

GeneDx
Classification: Uncertain significance. Last evaluated: 2017-07-14. Review status: criteria provided, single submitter. Criteria: GeneDx Variant Classification (06012015). Collection method: clinical testing. Allele origin: germline. Affected: yes.
Comment: p.Tyr195Cys (TAC>TGC), c.584 A>G in exon 4 of the SPG7 gene (NM_003119.2). The Y195C missense substitution in the SPG7 gene has not been published as a mutation, nor has it been reported as a benign polymorphism to our knowledge. The amino acid substitution is semi-conservative in that both Tyrosine and Cysteine are uncharged, polar amino acids; however, the introduction of a Cysteine residue may introduce disulfide bonds in the SPG7 protein and impact the secondary structure of this protein. This change occurs at a position in the SPG7 protein that is not highly conserved. In-silico analyses are not consistent in their predictions as to whether or not Y195C is likely to be damaging to the SPG7 protein. Therefore, based on the currently available information it is unclear whether Y195C is a disease-causing mutation or a rare benign variant. The variant is found in OAPEO-MITOP panel(s).

Eurofins Ntd Llc (ga)
Classification: Uncertain significance. Last evaluated: 2015-12-14. Review status: criteria provided, single submitter. Criteria: EGL Classification Definitions 2015. Collection method: clinical testing. Allele origin: germline. Observed: 1 variant allele, 1 heterozygote.